The following is an entry in ClinVar:

NM_138927.4(SON):c.1535_1536del (p.Glu512fs)

Gene: SON (SON DNA and RNA binding protein; plus strand). Cytogenetic location: 21q22.11.
Variant type: Microsatellite.
Coding change: c.1535_1536del on transcript NM_138927.4 (MANE Select); coding-DNA positions 1535 to 1536, 2 bases deleted (AG; older notation c.1535_1536delAG).
Protein change: p.Glu512fs; shifts the reading frame from glutamic acid 512.
Molecular consequence: frameshift variant. On other transcripts: non-coding transcript variant (1), intron variant (1).
Genome position (GRCh38, 1-based): chr21:33,550,766-33,550,767, AG deleted; deleting any 2 consecutive bases within chr21:33,550,764-33,550,767 gives the same sequence; the c. name uses the placement nearest the transcript's 3' end. VCF-style (leftmost placement, unchanged base first): chr21-33550763-CAG-C. GRCh37 (hg19) VCF-style: chr21-34923069-CAG-C.
Other names: c.1535_1536del, p.Glu512fs (NM_001291411.2, NM_032195.3); c.244+4387_244+4388del (NM_001291412.3); c.1535_1536delAG (NM_032195.2); short protein forms E512fs.
Identifiers: ClinVar variation 817767 (VCV000817767.1), dbSNP rs1601260044, ClinGen allele CA915953123.

ClinVar aggregate classification (germline): Pathogenic (1 of 4 stars; one submission).

Submission:

GeneDx
Classification: Pathogenic. Last evaluated: 2018-08-02. Review status: criteria provided, single submitter. Criteria: GeneDx Variant Classification (06012015). Collection method: clinical testing. Allele origin: germline. Affected: yes.
Comment: The c.1535_1536delAG variant in the SON gene has not been reported previously as a pathogenic variant nor as a benign variant, to our knowledge. The c.1535_1536delAG variant causes a frameshift starting with codon Glutamic acid 512, changes this amino acid to a Valine residue, and creates a premature Stop codon at position 17 of the new reading frame, denoted p.Glu512ValfsX17. This variant is predicted to cause loss of normal protein function either through protein truncation or nonsense-mediated mRNA decay. The c.1535_1536delAG variant is not observed in large population cohorts (Lek et al., 2016). We interpret c.1535_1536delAG as a pathogenic variant.